The following is an entry in ClinVar:

ClinVar aggregate classification (germline): Benign/Likely benign. Review status: criteria provided, multiple submitters, no conflicts (2 of 4 stars). 6 submissions from 6 submitters: Benign (1); Likely benign (3). 2 of the submissions do not count toward it. Last evaluated 2026-01-03.

Conditions:
Cohen syndrome (COH1). Also called: Cutis verticis gyrata, retinitis pigmentosa, and sensorineural deafness; PEPPER SYNDROME. Identifiers: Orphanet 193, MedGen C0265223, MONDO:0008999, OMIM 216550.
VPS13B-related disorder. Also called: VPS13B-related condition.
Inborn genetic diseases. Identifiers: MedGen C0950123, MeSH D030342.

Allele frequency attached by ClinVar (database versions not stated): TOPMed 0.00012; gnomAD exomes 0.00018 and 0.00037; 1000 Genomes Project 0.00020; 1000 Genomes Project 30x 0.00031; ExAC 0.00035; gnomAD 0.00003.
gnomAD v4.1: 110 of 1,614,176 alleles (0.0068%); highest among the groups gnomAD compares: Admixed American, 0.18%; 1 homozygote.

Submissions (6):

Labcorp Genetics (formerly Invitae), Labcorp
Classification: Benign for Cohen syndrome. Last evaluated: 2026-01-03. Review status: criteria provided, single submitter. Criteria: Invitae Variant Classification Sherloc (09022015). Collection method: clinical testing. Allele origin: germline.

Athena Diagnostics
Classification: Likely benign. Last evaluated: 2024-09-25. Review status: criteria provided, single submitter. Criteria: Athena Diagnostics Criteria. Collection method: clinical testing. Allele origin: unknown.

Blueprint Genetics
Classification: Likely benign. Last evaluated: 2022-11-29. Review status: criteria provided, single submitter. Criteria: ACMG Guidelines, 2015. Collection method: clinical testing. Allele origin: germline.

Ambry Genetics
Classification: Likely benign for Inborn genetic diseases. Last evaluated: 2020-01-22. Review status: criteria provided, single submitter. Criteria: Ambry Variant Classification Scheme 2023. Collection method: clinical testing. Allele origin: germline.

PreventionGenetics, part of Exact Sciences
Classification: Likely benign for VPS13B-related condition. Last evaluated: 2021-06-24. Review status: no assertion criteria provided. Collection method: clinical testing. Allele origin: germline. Not counted in ClinVar's aggregate classification.
Comment: This variant is classified as likely benign based on ACMG/AMP sequence variant interpretation guidelines (Richards et al. 2015 PMID: 25741868, with internal and published modifications).

Natera, Inc.
Classification: Benign for Cohen syndrome. Last evaluated: 2019-11-11. Review status: no assertion criteria provided. Collection method: clinical testing. Allele origin: germline. Not counted in ClinVar's aggregate classification.

NM_152564.5(VPS13B):c.1073G>A (p.Ser358Asn)

Gene: VPS13B (vacuolar protein sorting 13 homolog B; plus strand). Cytogenetic location: 8q22.2.
Variant type: single nucleotide variant.
Coding change: c.1073G>A on transcript NM_152564.5 (MANE Select); coding-DNA position 1073, G replaced by A.
Protein change: p.Ser358Asn; replaces serine 358 with asparagine.
Molecular consequence: missense variant. On other transcripts: non-coding transcript variant (1).
Genome position (GRCh38, 1-based): chr8:99,121,312, G>A. VCF-style: chr8-99121312-G-A. GRCh37 (hg19) VCF-style: chr8-100133540-G-A.
Other names: c.1073G>A, p.Ser358Asn (NM_015243.3, NM_017890.5, NM_181661.3); c.1073G>A (NM_152564.4); short protein forms S358N.
Identifiers: ClinVar variation 589425 (VCV000589425.57), dbSNP rs201965789, ClinGen allele CA4822536.
Genomic context (GRCh38, chr8:99,121,312, plus strand): 5'-ATGAGGAGCAGCCACAGGGATGGGTGTCATGGGCCTGGTCCTTTGTGCCTGCAATTGTGA[G>A]TTATGACGATGGCGAGGAAGACTTTGTTGGGAACGATCCTGCATCAACCATGCATCAACA-3'
Protein context (NP_689777.3, residues 348-368): WAWSFVPAIV[Ser358Asn]YDDGEEDFVG